The following is an entry in ClinVar:

ClinVar aggregate classification (germline): Pathogenic (0 of 4 stars; one submission).

Conditions:
Microcephaly 3, primary, autosomal recessive. Identifiers: Orphanet 2512, MedGen C1858108, MONDO:0011488, OMIM 604804.

Submission:

Department of Medical Genetics, Kayseri City Hospital
Classification: Pathogenic for Microcephaly 3, primary, autosomal recessive. Last evaluated: 2024-08-01. Review status: no assertion criteria provided. Collection method: clinical testing. Allele origin: biparental. Inheritance: Autosomal recessive inheritance. Affected: yes.
Comment: This mutation in coding exon 30 of the CDK5RAP2 gene results from a deletion of adenine at nucleotide position 4421.This sequence change creates a premature translational stop signal (p. Q1474Rfs*16) in the CDK5RAP2 gene. It is expected to result in an absent or disrupted protein product. Loss-of-function variants in CDK5RAP2 are known to be pathogenic (PMID: 15793586, 20460369, 26436113). This variant is not present in population databases (gnomAD no frequency). This variant has not been reported in the literature in individuals affected with CDK5RAP2-related conditions. For these reasons, this variant has been classified as Pathogenic

NM_018249.6(CDK5RAP2):c.4421del (p.Gln1474fs)

Gene: CDK5RAP2 (CDK5 regulatory subunit associated protein 2; minus strand). Cytogenetic location: 9q33.2.
Variant type: Deletion.
Coding change: c.4421del on transcript NM_018249.6 (MANE Select); coding-DNA position 4421, one base deleted (A; older notation c.4421delA).
Protein change: p.Gln1474fs; shifts the reading frame from glutamine 1474.
Molecular consequence: frameshift variant. On other transcripts: non-coding transcript variant (5).
Genome position (GRCh38, 1-based): chr9:120,409,310, T deleted on the plus strand (A on the coding strand, the reverse complement: CDK5RAP2 is on the minus strand). VCF-style (leftmost placement, unchanged base first): chr9-120409309-CT-C. GRCh37 (hg19) VCF-style: chr9-123171587-CT-C.
Other names: p.Q1474Rfs*16; c.4325del, p.Gln1442fs (NM_001410993.1); c.4418del, p.Gln1473fs (NM_001410994.1); c.4322del, p.Gln1441fs (NM_001410992.1); c.4421del, p.Gln1474fs (NM_001011649.3); c.3731del, p.Gln1244fs (NM_001272039.2); short protein forms Q1474fs, Q1244fs, Q1441fs, Q1442fs, Q1473fs.
Identifiers: ClinVar variation 3336691 (VCV003336691.2).
Genomic context (GRCh38, chr9:120,409,309, plus strand): 5'-AAGGTGCTCCAGGCTCACGGTCTTCCTGGAGAGGGACTCTCGTAATTTGTCATTCTCCTT[CT>C]GTTTATCTGCAAACATAAAAAGGTGCCACTGAGAAGGGCCACCATTTGTTTTTTCCAACC-3'